The following is an entry in ClinVar:

NM_004562.3(PRKN):c.1323C>T (p.Cys441=)

Gene: PRKN (parkin RBR E3 ubiquitin protein ligase; minus strand). Cytogenetic location: 6q26.
Variant type: single nucleotide variant.
Coding change: c.1323C>T on transcript NM_004562.3 (MANE Select); coding-DNA position 1323, C replaced by T.
Protein change: p.Cys441=; no amino-acid change (cysteine 441 retained).
Molecular consequence: synonymous variant.
Genome position (GRCh38, 1-based): chr6:161,350,174, G>A on the plus strand (C>T on the coding strand, the complement: PRKN is on the minus strand). VCF-style: chr6-161350174-G-A. GRCh37 (hg19) VCF-style: chr6-161771206-G-A.
Other names: c.1239C>T, p.Cys413= (NM_013987.3); c.876C>T, p.Cys292= (NM_013988.3).
Identifiers: ClinVar variation 5009620 (VCV005009620.1).

ClinVar aggregate classification (germline): Uncertain significance (1 of 4 stars; one submission).

gnomAD v4.1: 3 of 1,613,396 alleles (0.00019%); highest among the groups gnomAD compares: Non-Finnish European, 0.000085%; no homozygotes.

Submission:

GeneDx
Classification: Uncertain significance. Last evaluated: 2026-02-24. Review status: criteria provided, single submitter. Criteria: GeneDx Variant Classification Process June 2021. Collection method: clinical testing. Allele origin: germline.
Comment: Not observed at significant frequency in large population cohorts (gnomAD); In silico analysis suggests that this variant does not alter splicing; Has not been previously published as pathogenic or benign to our knowledge